The following is an entry in ClinVar:

ClinVar aggregate classification (germline): Uncertain significance (1 of 4 stars; one submission).

Conditions:
Spastic paraplegia 82, autosomal recessive (SPG82). Identifiers: Orphanet 631073, MedGen C5394037, MONDO:0032906, OMIM 618770.

gnomAD v4.1: 3 of 1,107,112 alleles (0.00027%); highest among the groups gnomAD compares: South Asian, 0.0067%; no homozygotes.

Submission:

Dasa
Classification: Uncertain significance for Spastic paraplegia 82, autosomal recessive. Last evaluated: 2026-01-27. Review status: criteria provided, single submitter. Criteria: DASA Assertion Criteria. Collection method: clinical testing. Allele origin: germline.
Comment: NM_002861.5(PCYT2):c.70A>G (p.Arg24Gly) is a missense variant that results in the substitution of arginine with glycine. This variant is rare in population databases. Computational prediction algorithms are consistent with a deleterious effect. The currently available literature and clinical evidence are not sufficient to establish a definitive association between this variant and the reported condition. Therefore, this variant is classified as a variant of uncertain significance.

NM_002861.5(PCYT2):c.70A>G (p.Arg24Gly)

Genes: PCYT2 (phosphate cytidylyltransferase 2, ethanolamine; minus strand), LOC130061984 (ATAC-STARR-seq lymphoblastoid silent region 9166; plus strand). Cytogenetic location: 17q25.3.
Variant type: single nucleotide variant.
Coding change: c.70A>G on transcript NM_002861.5 (MANE Select); coding-DNA position 70, A replaced by G.
Protein change: p.Arg24Gly; replaces arginine 24 with glycine.
Molecular consequence: missense variant. On other transcripts: 5 prime UTR variant (2).
Genome position (GRCh38, 1-based): chr17:81,911,286, T>C on the plus strand (A>G on the coding strand, the complement: PCYT2 is on the minus strand). VCF-style: chr17-81911286-T-C. GRCh37 (hg19) VCF-style: chr17-79869162-T-C.
Other names: c.70A>G, p.Arg24Gly (NM_001184917.3, NM_001256433.3, NM_001330518.2); c.-106A>G (NM_001256434.3); c.-449A>G (NM_001256435.3); short protein forms R24G.
Identifiers: ClinVar variation 4883408 (VCV004883408.2).